The following is an entry in ClinVar:

NM_022124.6(CDH23):c.2974del (p.Thr992fs)

Gene: CDH23 (cadherin related 23; plus strand). Cytogenetic location: 10q22.1.
Variant type: Deletion.
Coding change: c.2974del on transcript NM_022124.6 (MANE Select); coding-DNA position 2974, one base deleted (A; older notation c.2974delA).
Protein change: p.Thr992fs; shifts the reading frame from threonine 992.
Molecular consequence: frameshift variant.
Genome position (GRCh38, 1-based): chr10:71,706,917, A deleted. VCF-style (leftmost placement, unchanged base first): chr10-71706916-GA-G. GRCh37 (hg19) VCF-style: chr10-73466673-GA-G.
Other names: c.2974delA (NM_022124.6); c.2974del, p.Thr992fs (NM_001171930.2, NM_001171931.2); short protein forms T992fs.
Identifiers: ClinVar variation 4845709 (VCV004845709.1).
Genomic context (GRCh38, chr10:71,706,916, plus strand): 5'-CAGAAGCCAGGCCTAGCCCCGGCGCCCGTTCTGCCCCGCAGTGCTGGATGTGAACGACGA[GA>G]CGCCCACCTTCTTCCCGGCCGTGTACAATGTGTCTGTGTCCGAGGACGTGCCACGCGAGT-3'

ClinVar aggregate classification (germline): Likely pathogenic (1 of 4 stars; one submission).

Conditions:
Autosomal recessive nonsyndromic hearing loss 12. Also called: DEAFNESS, AUTOSOMAL RECESSIVE 12. Identifiers: Orphanet 90636, MedGen C1832394, MONDO:0011067, OMIM 601386.
Usher syndrome type 1D (USH1D). Also called: USHER SYNDROME, TYPE ID. Identifiers: Orphanet 231169, Orphanet 886, MedGen C1832845, MONDO:0010984, OMIM 601067.

Submission:

First Genomix Gene Laboratory, Genetic Diagnostics Department
Classification: Likely pathogenic for Autosomal recessive nonsyndromic hearing loss 12; Usher syndrome type 1D. Last evaluated: 2025-01-17. Review status: criteria provided, single submitter. Criteria: ACMG Guidelines, 2015. Collection method: clinical testing. Allele origin: germline. Inheritance: Autosomal recessive inheritance. Affected: no. Observed: 1 variant allele.